The following is an entry in ClinVar:

ClinVar aggregate classification (germline): Pathogenic/Likely pathogenic. Review status: criteria provided, multiple submitters, no conflicts (2 of 4 stars). 6 submissions from 6 submitters: Pathogenic (1); Likely pathogenic (5). Last evaluated 2026-09-10.

Conditions:
TTN-related disorder. Also called: TTN-related disorders; TTN-related condition; TTN-related disease.
Cardiovascular phenotype. Identifiers: MedGen CN230736.
Dilated cardiomyopathy 1G (CMD1G). Identifiers: Orphanet 154, MedGen C1858763, MONDO:0011400, OMIM 604145.
Autosomal recessive limb-girdle muscular dystrophy type 2J (LGMDR10). Also called: MUSCULAR DYSTROPHY, LIMB-GIRDLE, AUTOSOMAL RECESSIVE 10; Limb-girdle muscular dystrophy, type 2J. Identifiers: Orphanet 140922, MedGen C1837342, MONDO:0012127, OMIM 608807.
Cardiomyopathy (CMYO). Also called: Cardiomyopathies. Identifiers: Orphanet 167848, MedGen C0878544, MONDO:0004994, HP:0001638. Inheritance: Various modes of inheritance.
Primary dilated cardiomyopathy (DCM). Also called: Dilated Cardiomyopathy. Identifiers: Orphanet 217604, MedGen C0007193, MeSH D002311, MONDO:0005021, HP:0001644. Inheritance: Various modes of inheritance.

Allele frequency attached by ClinVar (database versions not stated): TOPMed 0.00001.
gnomAD v4.1: 11 of 1,613,246 alleles (0.00068%); highest among the groups gnomAD compares: South Asian, 0.0011%; no homozygotes.

Submissions (6):

GeneDx
Classification: Pathogenic. Last evaluated: 2026-09-10. Review status: criteria provided, single submitter. Criteria: GeneDx Variant Classification Process June 2021. Collection method: clinical testing. Allele origin: germline.
Comment: Located in the A-band, a region of TTN for which truncating variants are significantly associated with autosomal dominant cardiomyopathy and also with autosomal recessive skeletal myopathies (PMID: 22335739, 32778822); Nonsense variant predicted to result in protein truncation or nonsense mediated decay in a gene for which loss of function is a known mechanism of disease; Not observed at significant frequency in large population cohorts (gnomAD); This variant is associated with the following publications: (PMID: 31983221, 31317183, 33190517, 31251381, 28045975, 22335739, 32778822, 25589632, 35177841, 37652022, 38892874, 31691645, 36264615, 24575448)

Labcorp Genetics (formerly Invitae), Labcorp
Classification: Likely pathogenic for Dilated cardiomyopathy 1G; Autosomal recessive limb-girdle muscular dystrophy type 2J. Last evaluated: 2025-08-17. Review status: criteria provided, single submitter. Criteria: Invitae Variant Classification Sherloc (09022015). Collection method: clinical testing. Allele origin: germline.
Comment: This sequence change creates a premature translational stop signal (p.Arg21009*) in the TTN gene. While this is not anticipated to result in nonsense mediated decay, it is expected to create a truncated TTN protein. This variant is present in population databases (rs368452607, gnomAD 0.003%). This premature translational stop signal has been observed in individual(s) with dilated cardiomyopathy (PMID: 25589632, 28045975). ClinVar contains an entry for this variant (Variation ID: 202518). This variant is located in the A band of TTN (PMID: 25589632). Truncating variants in this region are significantly overrepresented in patients affected with dilated cardiomyopathy (PMID: 25589632). Truncating variants in this region have also been reported in individuals affected with autosomal recessive centronuclear myopathy (PMID: 23975875). In summary, the currently available evidence indicates that the variant is pathogenic, but additional data are needed to prove that conclusively. Therefore, this variant has been classified as Likely Pathogenic.

Blueprint Genetics
Classification: Likely pathogenic for TTN-related disorders. Last evaluated: 2024-03-06. Review status: criteria provided, single submitter. Criteria: ACMG Guidelines, 2015. Collection method: clinical testing. Allele origin: germline. Affected: yes. Observed: 4 variant alleles.

Ambry Genetics
Classification: Likely pathogenic for Cardiovascular phenotype. Last evaluated: 2023-10-10. Review status: criteria provided, single submitter. Criteria: Ambry Variant Classification Scheme 2023. Collection method: clinical testing. Allele origin: germline.
Comment: The p.R11944* variant (also known as c.35830C>T), located in coding exon 131 of the TTN gene, results from a C to T substitution at nucleotide position 35830. This changes the amino acid from an arginine to a stop codon within coding exon 131. This exon is located in the A-band region of the N2-B isoform of the titin protein and is constitutively expressed in TTN transcripts (percent spliced in or PSI 100%). This variant (referred to as NM_001267550:c.63025C>T, p.Arg21009X) has been detected in an individual from a dilated cardiomyopathy cohort (Roberts AM et al. Sci Transl Med, 2015 Jan;7:270ra6). This variant is considered to be rare based on population cohorts in the Genome Aggregation Database (gnomAD). This alteration is expected to result in loss of function by premature protein truncation or nonsense-mediated mRNA decay. While truncating variants in TTN are present in 1-3% of the general population, truncating variants in the A-band are the most common cause of dilated cardiomyopathy (DCM) (Herman DS et al. N. Engl. J. Med., 2012 Feb;366:619-28; Roberts AM et al. Sci Transl Med, 2015 Jan;7:270ra6). TTN truncating variants encoded in constitutive exons (PSI >90%) have been found to be significantly associated with DCM regardless of their position in titin (Schafer S et al. Nat. Genet., 2017 01;49:46-53). Based on the majority of available evidence to date, this variant is likely to be pathogenic.

CHEO Genetics Diagnostic Laboratory, Children's Hospital of Eastern Ontario
Classification: Likely pathogenic for Cardiomyopathy. Last evaluated: 2019-07-24. Review status: criteria provided, single submitter. Criteria: ACMG Guidelines, 2015. Collection method: clinical testing. Allele origin: germline.

Cardiovascular Biomedical Research Unit, Royal Brompton & Harefield NHS Foundation Trust
Classification: Likely pathogenic for Primary dilated cardiomyopathy. Last evaluated: 2014-10-08. Review status: criteria provided, single submitter. Criteria: Roberts et al. 2015. Collection method: research. Allele origin: germline. Inheritance: Autosomal dominant inheritance. Affected: yes. Observed: 1 variant allele. Study: Unselected DCM.
Comment: In the seven cohorts assessed, TTNtv were found in 14% of ambulant DCM, 22% end-stage or familial DCM, and 2% controls. Heterozygous nonsense, frameshift and canonical splice-disrupting variants found in constitutive and other highly utilised exons are highly likely to be pathogenic when identified in individuals with phenotypically confirmed DCM. TTNtv found incidentally in healthy individuals (excluding familial assessment of DCM relatives) are thought to have low penetrance, particularly when identified in exons that are not constitutively expressed in the heart.

Literature cited by the submitters: PubMed 25589632 (cited by Labcorp Genetics (formerly Invitae), Labcorp and Ambry Genetics); PubMed 28045975 (cited by Labcorp Genetics (formerly Invitae), Labcorp); PubMed 23975875 (cited by Labcorp Genetics (formerly Invitae), Labcorp).

NM_001267550.2(TTN):c.63025C>T (p.Arg21009Ter)

Genes: TTN (titin; minus strand), TTN-AS1 (TTN antisense RNA 1; plus strand). Cytogenetic location: 2q31.2.
Variant type: single nucleotide variant.
Coding change: c.63025C>T on transcript NM_001267550.2 (MANE Select); coding-DNA position 63025, C replaced by T.
Protein change: p.Arg21009Ter; replaces arginine 21009 with a stop codon.
Molecular consequence: nonsense.
Genome position (GRCh38, 1-based): chr2:178,588,700, G>A on the plus strand (C>T on the coding strand, the complement: TTN is on the minus strand). VCF-style: chr2-178588700-G-A. GRCh37 (hg19) VCF-style: chr2-179453427-G-A.
Other names: p.R19368*:CGA>TGA; c.63025C>T (LRG_391t1); c.35830C>T, p.Arg11944Ter (NM_003319.4); c.55321C>T, p.Arg18441Ter (NM_133378.4); c.36205C>T, p.Arg12069Ter (NM_133432.3); c.36406C>T, p.Arg12136Ter (NM_133437.4); c.58102C>T, p.Arg19368Ter (NM_001256850.1); short protein forms R19368*, R21009*, R12136*, R11944*, R12069*, R18441*.
Identifiers: ClinVar variation 202518 (VCV000202518.19), dbSNP rs368452607, ClinGen allele CA309491.